The following is an entry in ClinVar:

NM_014423.4(AFF4):c.1512G>T (p.Lys504Asn)

Gene: AFF4 (ALF transcription elongation factor 4; minus strand). Cytogenetic location: 5q31.1.
Variant type: single nucleotide variant.
Coding change: c.1512G>T on transcript NM_014423.4 (MANE Select); coding-DNA position 1512, G replaced by T.
Protein change: p.Lys504Asn; replaces lysine 504 with asparagine.
Molecular consequence: missense variant.
Genome position (GRCh38, 1-based): chr5:132,897,118, C>A on the plus strand (G>T on the coding strand, the complement: AFF4 is on the minus strand). VCF-style: chr5-132897118-C-A. GRCh37 (hg19) VCF-style: chr5-132232810-C-A.
Other names: short protein forms K504N.
Identifiers: ClinVar variation 2284762 (VCV002284762.4), dbSNP rs1400692927, ClinGen allele CA360939277.

ClinVar aggregate classification (germline): Uncertain significance. Review status: criteria provided, multiple submitters, no conflicts (2 of 4 stars). 2 submissions from 2 submitters: Uncertain significance (2). Last evaluated 2025-08-20.

Conditions:
Cognitive impairment - coarse facies - heart defects - obesity - pulmonary involvement - short stature - skeletal dysplasia syndrome. Also called: COGNITIVE IMPAIRMENT, COARSE FACIES, HEART DEFECTS, OBESITY, PULMONARY INVOLVEMENT, SHORT STATURE, AND SKELETAL DYSPLASIA; Chops syndrome; AFF4-Related CHOPS Syndrome. Identifiers: Orphanet 444077, MedGen C4085597, MONDO:0014609, OMIM 616368.
Inborn genetic diseases. Identifiers: MedGen C0950123, MeSH D030342.

gnomAD v4.1: 5 of 1,614,182 alleles (0.00031%); highest among the groups gnomAD compares: Non-Finnish European, 0.00042%; no homozygotes.

Submissions (2):

Labcorp Genetics (formerly Invitae), Labcorp
Classification: Uncertain significance for Cognitive impairment - coarse facies - heart defects - obesity - pulmonary involvement - short stature - skeletal dysplasia syndrome. Last evaluated: 2025-08-20. Review status: criteria provided, single submitter. Criteria: Invitae Variant Classification Sherloc (09022015). Collection method: clinical testing. Allele origin: germline.
Comment: This sequence change replaces lysine, which is basic and polar, with asparagine, which is neutral and polar, at codon 504 of the AFF4 protein (p.Lys504Asn). This variant is present in population databases (no rsID available, gnomAD 0.007%). This variant has not been reported in the literature in individuals affected with AFF4-related conditions. ClinVar contains an entry for this variant (Variation ID: 2284762). Invitae Evidence Modeling of protein sequence and biophysical properties (such as structural, functional, and spatial information, amino acid conservation, physicochemical variation, residue mobility, and thermodynamic stability) has been performed for this missense variant. However, the output from this modeling did not meet the statistical confidence thresholds required to predict the impact of this variant on AFF4 protein function. In summary, the available evidence is currently insufficient to determine the role of this variant in disease. Therefore, it has been classified as a Variant of Uncertain Significance.

Ambry Genetics
Classification: Uncertain significance for Inborn genetic diseases. Last evaluated: 2022-04-22. Review status: criteria provided, single submitter. Criteria: Ambry Variant Classification Scheme 2023. Collection method: clinical testing. Allele origin: germline.